The following is an entry in ClinVar:

ClinVar aggregate classification (germline): Uncertain significance (1 of 4 stars; one submission).

Submission:

GeneDx
Classification: Uncertain significance. Last evaluated: 2025-06-12. Review status: criteria provided, single submitter. Criteria: GeneDx Variant Classification Process June 2021. Collection method: clinical testing. Allele origin: germline. Affected: yes.
Comment: Not observed at significant frequency in large population cohorts (gnomAD); In silico analysis supports that this missense variant has a deleterious effect on protein structure/function; Has not been previously published as pathogenic or benign to our knowledge

NM_004817.4(TJP2):c.2086A>G (p.Lys696Glu)

Gene: TJP2 (tight junction protein 2; plus strand). Cytogenetic location: 9q21.11.
Variant type: single nucleotide variant.
Coding change: c.2086A>G on transcript NM_004817.4 (MANE Select); coding-DNA position 2086, A replaced by G.
Protein change: p.Lys696Glu; replaces lysine 696 with glutamic acid.
Molecular consequence: missense variant.
Genome position (GRCh38, 1-based): chr9:69,237,043, A>G. VCF-style: chr9-69237043-A-G. GRCh37 (hg19) VCF-style: chr9-71851959-A-G.
Other names: c.2017A>G, p.Lys673Glu (NM_001170414.2, NM_001369871.1); c.2098A>G, p.Lys700Glu (NM_001170415.1, NM_001369874.1, NM_001369875.1); c.2179A>G, p.Lys727Glu (NM_001170416.2); c.2011A>G, p.Lys671Glu (NM_001369870.1); c.2086A>G, p.Lys696Glu (NM_001369872.1, NM_001369873.1, NM_201629.3); short protein forms K671E, K673E, K696E, K700E, K727E.
Identifiers: ClinVar variation 4537519 (VCV004537519.1).